The following is an entry in ClinVar:

NM_015047.3(EMC1):c.2762G>T (p.Gly921Val)

Genes: EMC1 (ER membrane protein complex subunit 1; minus strand), EMC1-AS1 (EMC1 antisense RNA 1; plus strand). Cytogenetic location: 1p36.13.
Variant type: single nucleotide variant.
Coding change: c.2762G>T on transcript NM_015047.3 (MANE Select); coding-DNA position 2762, G replaced by T.
Protein change: p.Gly921Val; replaces glycine 921 with valine.
Molecular consequence: missense variant.
Genome position (GRCh38, 1-based): chr1:19,219,609, C>A on the plus strand (G>T on the coding strand, the complement: EMC1 is on the minus strand). VCF-style: chr1-19219609-C-A. GRCh37 (hg19) VCF-style: chr1-19546103-C-A.
Other names: c.2759G>T, p.Gly920Val (NM_001271427.2, NM_001271428.2); c.2696G>T, p.Gly899Val (NM_001271429.2); c.2771G>T, p.Gly924Val (NM_001375820.1); c.2768G>T, p.Gly923Val (NM_001375821.1); short protein forms G899V, G920V, G921V, G923V, G924V.
Identifiers: ClinVar variation 1713651 (VCV001713651.5), dbSNP rs2536637550, ClinGen allele CA338749858.

ClinVar aggregate classification (germline): Uncertain significance (1 of 4 stars; one submission).

Submission:

Labcorp Genetics (formerly Invitae), Labcorp
Classification: Uncertain significance. Last evaluated: 2022-07-24. Review status: criteria provided, single submitter. Criteria: Invitae Variant Classification Sherloc (09022015). Collection method: clinical testing. Allele origin: germline.
Comment: In summary, the available evidence is currently insufficient to determine the role of this variant in disease. Therefore, it has been classified as a Variant of Uncertain Significance. Algorithms developed to predict the effect of missense changes on protein structure and function are either unavailable or do not agree on the potential impact of this missense change (SIFT: "Deleterious"; PolyPhen-2: "Probably Damaging"; Align-GVGD: "Class C15"). This variant has not been reported in the literature in individuals affected with EMC1-related conditions. This variant is not present in population databases (gnomAD no frequency). This sequence change replaces glycine, which is neutral and non-polar, with valine, which is neutral and non-polar, at codon 921 of the EMC1 protein (p.Gly921Val).